The following is an entry in ClinVar:

ClinVar aggregate classification (germline): Uncertain significance (1 of 4 stars; one submission).

Conditions:
Hereditary cancer-predisposing syndrome. Also called: Hereditary Cancer Syndrome; Hereditary neoplastic syndrome; Neoplastic Syndromes, Hereditary; Tumor predisposition. Identifiers: Orphanet 140162, MedGen C0027672, MeSH D009386, MONDO:0015356.

Submission:

Ambry Genetics
Classification: Uncertain significance for Hereditary cancer-predisposing syndrome. Last evaluated: 2018-06-14. Review status: criteria provided, single submitter. Criteria: Ambry Variant Classification Scheme 2023. Collection method: clinical testing. Allele origin: germline.
Comment: The p.Q471H variant (also known as c.1413G>T), located in coding exon 11 of the PMS2 gene, results from a G to T substitution at nucleotide position 1413. The glutamine at codon 471 is replaced by histidine, an amino acid with highly similar properties. This amino acid position is not well conserved in available vertebrate species. In addition, this alteration is predicted to be tolerated by in silico analysis. Since supporting evidence is limited at this time, the clinical significance of this alteration remains unclear.

NM_000535.7(PMS2):c.1413G>T (p.Gln471His)

Gene: PMS2 (PMS1 homolog 2, mismatch repair system component; minus strand). Cytogenetic location: 7p22.1.
Variant type: single nucleotide variant.
Coding change: c.1413G>T on transcript NM_000535.7 (MANE Select); coding-DNA position 1413, G replaced by T.
Protein change: p.Gln471His; replaces glutamine 471 with histidine.
Molecular consequence: missense variant. On other transcripts: non-coding transcript variant (1).
Genome position (GRCh38, 1-based): chr7:5,987,352, C>A on the plus strand (G>T on the coding strand, the complement: PMS2 is on the minus strand). VCF-style: chr7-5987352-C-A. GRCh37 (hg19) VCF-style: chr7-6026983-C-A.
Other names: c.1008G>T, p.Gln336His (NM_001322005.2, NM_001018040.1, NM_001322003.2 and 17 more transcripts); c.1257G>T, p.Gln419His (NM_001322006.2, NM_001406870.1); c.1095G>T, p.Gln365His (NM_001322007.2, NM_001322008.2, NM_001406876.1 and 2 more transcripts); c.852G>T, p.Gln284His (NM_001322010.2, NM_001406906.1, NM_001406907.1); c.480G>T, p.Gln160His (NM_001322011.2, NM_001322012.2); c.840G>T, p.Gln280His (NM_001322013.2, NM_001406909.1); c.1413G>T, p.Gln471His (NM_001322014.2, NM_001406871.1, NM_001406872.1); c.1104G>T, p.Gln368His (NM_001322015.2, NM_001406875.1, NM_001406877.1 and 5 more transcripts); and 12 more; short protein forms Q160H, Q280H, Q313H, Q363H, Q365H, Q415H, Q435H, Q284H.
Identifiers: ClinVar variation 1772089 (VCV001772089.2), dbSNP rs2128731257, ClinGen allele CA366742071.
Genomic context (GRCh38, chr7:5,987,352, plus strand): 5'-CTCCACCTCCGCTCTGTCCGTAGGGTCACTGGGTCCGTGACTGGAACTCACTGCCTCTTT[C>A]TGAGGTCTCAGGACGCCTTTGTCAGAGATGGCACCTGAAGTGCTAGAAGACAGCATACCC-3'
Protein context (NP_000526.2, residues 461-481): AISDKGVLRP[Gln471His]KEAVSSSHGP